The following is an entry in ClinVar:

NM_000038.6(APC):c.6273T>C (p.Gly2091=)

Gene: APC (APC regulator of Wnt signaling pathway; plus strand). Cytogenetic location: 5q22.2.
Variant type: single nucleotide variant.
Coding change: c.6273T>C on transcript NM_000038.6 (MANE Select); coding-DNA position 6273, T replaced by C.
Protein change: p.Gly2091=; no amino-acid change (glycine 2091 retained).
Molecular consequence: synonymous variant.
Genome position (GRCh38, 1-based): chr5:112,841,867, T>C. VCF-style: chr5-112841867-T-C. GRCh37 (hg19) VCF-style: chr5-112177564-T-C.
Other names: c.6273T>C, p.Gly2091= (NM_001127510.3, NM_001354895.2); c.6219T>C, p.Gly2073= (NM_001127511.3); c.6327T>C, p.Gly2109= (NM_001354896.2); c.6303T>C, p.Gly2101= (NM_001354897.2); c.6198T>C, p.Gly2066= (NM_001354898.2); c.6189T>C, p.Gly2063= (NM_001354899.2); c.6150T>C, p.Gly2050= (NM_001354900.2); c.6096T>C, p.Gly2032= (NM_001354901.2); and 5 more.
Identifiers: ClinVar variation 490331 (VCV000490331.15), dbSNP rs368356944, ClinGen allele CA125167813.
Genomic context (GRCh38, chr5:112,841,867, plus strand): 5'-ATTAGGTGAAGATCTGACACTTGATTTGAAAGATATACAGAGACCAGATTCAGAACATGG[T>C]CTATCCCCTGATTCAGAAAATTTTGATTGGAAAGCTATTCAGGAAGGTGCAAATTCCATA-3'
Protein context (NP_000029.2, residues 2081-2101): KDIQRPDSEH[Gly2091=]LSPDSENFDW

ClinVar aggregate classification (germline): Benign/Likely benign. Review status: criteria provided, multiple submitters, no conflicts (2 of 4 stars). 4 submissions from 4 submitters: Benign (1); Likely benign (3). Last evaluated 2025-11-22.

Conditions:
Familial adenomatous polyposis 1 (FAP1). Also called: POLYPOSIS, ADENOMATOUS INTESTINAL; FAMILIAL ADENOMATOUS POLYPOSIS 1, ATTENUATED. Identifiers: MedGen C2713442, MONDO:0021056, OMIM 175100. Disease mechanism: loss of function.
Hereditary cancer-predisposing syndrome. Also called: Hereditary Cancer Syndrome; Neoplastic Syndromes, Hereditary; Tumor predisposition; Hereditary neoplastic syndrome. Identifiers: Orphanet 140162, MedGen C0027672, MeSH D009386, MONDO:0015356.

Allele frequency attached by ClinVar (database versions not stated): ESP Exome Variant Server 0.00008.
gnomAD v4.1: 23 of 1,613,980 alleles (0.0014%); highest among the groups gnomAD compares: Non-Finnish European, 0.0019%; no homozygotes.

Submissions (4):

Labcorp Genetics (formerly Invitae), Labcorp
Classification: Likely benign for Familial adenomatous polyposis 1. Last evaluated: 2025-11-22. Review status: criteria provided, single submitter. Criteria: Invitae Variant Classification Sherloc (09022015). Collection method: clinical testing. Allele origin: germline.

Ambry Genetics
Classification: Likely benign for Hereditary cancer-predisposing syndrome. Last evaluated: 2024-09-19. Review status: criteria provided, single submitter. Criteria: Ambry Variant Classification Scheme 2023. Collection method: clinical testing. Allele origin: germline.

Myriad Genetics, Inc.
Classification: Benign for Familial adenomatous polyposis 1. Last evaluated: 2024-04-04. Review status: criteria provided, single submitter. Criteria: Myriad Autosomal Dominant, Autosomal Recessive and X-Linked Classification Criteria (2023). Collection method: clinical testing. Allele origin: unknown.
Comment: This variant is considered benign. This variant is a silent/synonymous amino acid change and it is not expected to impact splicing.

Color Diagnostics, LLC DBA Color Health
Classification: Likely benign for Hereditary cancer-predisposing syndrome. Last evaluated: 2017-09-26. Review status: criteria provided, single submitter. Criteria: ACMG Guidelines, 2015. Collection method: clinical testing. Allele origin: germline.